The following is an entry in ClinVar:

ClinVar aggregate classification (germline): Likely pathogenic (1 of 4 stars; one submission).

Conditions:
Inborn genetic diseases. Identifiers: MedGen C0950123, MeSH D030342.

Submission:

Ambry Genetics
Classification: Likely pathogenic for Inborn genetic diseases. Last evaluated: 2026-07-07. Review status: criteria provided, single submitter. Criteria: Ambry Variant Classification Scheme 2023. Collection method: clinical testing. Allele origin: germline.
Comment: The c.3277-2A>C intronic variant consists of a A to C substitution two nucleotides before exon 43 (coding exon 43) of the COL11A1 gene. Variants that disrupt the canonical splice site are expected to result in aberrant splicing. A resulting transcript is predicted to be in-frame and is not expected to trigger nonsense-mediated mRNAdecay, although direct evidence is unavailable. for autosomal dominant Type XI collagenopathies; however, its clinical significance for autosomal dominant COL11A1-related deafness and autosomal recessive COL11A1-related fibrochondrogenesis is uncertain This variant was not reported in population-based cohorts in the Genome Aggregation Database (gnomAD). This nucleotide position is highly conserved in available vertebrate species. In silico splice site analysis predicts that this alteration will weaken the native splice acceptor site and may result in the creation or strengthening of a novel splice acceptor site. Based on the available evidence, this alteration is classified as likely pathogenic.

NM_001854.4(COL11A1):c.3277-2A>C

Gene: COL11A1 (collagen type XI alpha 1 chain; minus strand). Cytogenetic location: 1p21.1.
Variant type: single nucleotide variant.
Coding change: c.3277-2A>C on transcript NM_001854.4 (MANE Select); the canonical splice acceptor site of the intron before coding-DNA position 3277, A replaced by C.
Molecular consequence: splice acceptor variant.
Genome position (GRCh38, 1-based): chr1:102,940,436, T>G on the plus strand (A>C on the coding strand, the complement: COL11A1 is on the minus strand). VCF-style: chr1-102940436-T-G. GRCh37 (hg19) VCF-style: chr1-103405992-T-G.
Other names: c.3160-2A>C (NM_001190709.2); c.3313-2A>C (NM_080629.3); c.2929-2A>C (NM_080630.4).
Identifiers: ClinVar variation 5034674 (VCV005034674.1).
Genomic context (GRCh38, chr1:102,940,436, plus strand): 5'-AGACCAACAGGACCTTGAACTCCATCTCTCCCTGCAGGCCCTTGGGGACCTTTTTCTCCC[T>G]GTATTGAATATCCAAAGATCATTAATTTTACAGTTTTGAAGTGCAGCTACAAGAGTAATA-3'